The following is an entry in ClinVar:

ClinVar aggregate classification (germline): Pathogenic (1 of 4 stars; one submission).

Submission:

Labcorp Genetics (formerly Invitae), Labcorp
Classification: Pathogenic. Last evaluated: 2019-10-30. Review status: criteria provided, single submitter. Criteria: Invitae Variant Classification Sherloc (09022015). Collection method: clinical testing. Allele origin: germline.
Comment: For these reasons, this variant has been classified as Pathogenic. Loss-of-function variants in COL4A3 are known to be pathogenic (PMID: 8956999, 24854265, 26809805, 27281700). This variant has not been reported in the literature in individuals with COL4A3-related conditions. The frequency data for this variant in the population databases is considered unreliable, as metrics indicate insufficient coverage at this position in the ExAC database. This sequence change creates a premature translational stop signal (p.Leu12Serfs*81) in the COL4A3 gene. It is expected to result in an absent or disrupted protein product.

Literature cited by the submitters: PubMed 8956999; PubMed 24854265; PubMed 26809805; PubMed 27281700.

NM_000091.5(COL4A3):c.33del (p.Leu12fs)

Genes: COL4A3 (collagen type IV alpha 3 chain; plus strand), LOC129935730 (ATAC-STARR-seq lymphoblastoid silent region 12397; plus strand). Cytogenetic location: 2q36.3.
Variant type: Deletion.
Coding change: c.33del on transcript NM_000091.5 (MANE Select); coding-DNA position 33, one base deleted (G; older notation c.33delG).
Protein change: p.Leu12fs; shifts the reading frame from leucine 12.
Molecular consequence: frameshift variant.
Genome position (GRCh38, 1-based): chr2:227,164,759, G deleted. VCF-style (leftmost placement, unchanged base first): chr2-227164758-TG-T. GRCh37 (hg19) VCF-style: chr2-228029474-TG-T.
Other names: short protein forms L12fs.
Identifiers: ClinVar variation 958392 (VCV000958392.8), dbSNP rs2065146526, ClinGen allele CA1139657757.